The following is an entry in ClinVar:

ClinVar aggregate classification (germline): Uncertain significance (1 of 4 stars; one submission).

Submission:

Labcorp Genetics (formerly Invitae), Labcorp
Classification: Uncertain significance. Last evaluated: 2025-03-16. Review status: criteria provided, single submitter. Criteria: Invitae Variant Classification Sherloc (09022015). Collection method: clinical testing. Allele origin: germline.
Comment: This sequence change replaces proline, which is neutral and non-polar, with glutamine, which is neutral and polar, at codon 165 of the PCNT protein (p.Pro165Gln). This variant is not present in population databases (gnomAD no frequency). This variant has not been reported in the literature in individuals affected with PCNT-related conditions. An algorithm developed to predict the effect of missense changes on protein structure and function (PolyPhen-2) suggests that this variant is likely to be tolerated. In summary, the available evidence is currently insufficient to determine the role of this variant in disease. Therefore, it has been classified as a Variant of Uncertain Significance.

NM_006031.6(PCNT):c.494C>A (p.Pro165Gln)

Gene: PCNT (pericentrin; plus strand). Cytogenetic location: 21q22.3.
Variant type: single nucleotide variant.
Coding change: c.494C>A on transcript NM_006031.6 (MANE Select); coding-DNA position 494, C replaced by A.
Protein change: p.Pro165Gln; replaces proline 165 with glutamine.
Molecular consequence: missense variant.
Genome position (GRCh38, 1-based): chr21:46,334,623, C>A. VCF-style: chr21-46334623-C-A. GRCh37 (hg19) VCF-style: chr21-47754537-C-A.
Other names: c.140C>A, p.Pro47Gln (NM_001315529.2); short protein forms P165Q, P47Q.
Identifiers: ClinVar variation 4810435 (VCV004810435.1).